The following is an entry in ClinVar:

NM_003172.4(SURF1):c.631_632del (p.Glu211fs)

Gene: SURF1 (SURF1 cytochrome c oxidase assembly factor; minus strand). Cytogenetic location: 9q34.2.
Variant type: Deletion.
Coding change: c.631_632del on transcript NM_003172.4 (MANE Select); coding-DNA positions 631 to 632, 2 bases deleted (GA; older notation c.631_632delGA).
Protein change: p.Glu211fs; shifts the reading frame from glutamic acid 211.
Molecular consequence: frameshift variant.
Genome position (GRCh38, 1-based): chr9:133,352,565-133,352,566, TC deleted on the plus strand (GA on the coding strand, the reverse complement: SURF1 is on the minus strand); deleting any 2 consecutive bases within chr9:133,352,565-133,352,567 gives the same sequence; the c. name uses the placement nearest the transcript's 3' end. VCF-style (leftmost placement, unchanged base first): chr9-133352564-TTC-T. GRCh37 (hg19) VCF-style: chr9-136219419-TTC-T.
Other names: c.304_305del, p.Glu102fs (NM_001280787.1); short protein forms E102fs, E211fs.
Identifiers: ClinVar variation 496203 (VCV000496203.3), dbSNP rs1554768333, ClinGen allele CA658683555.

ClinVar aggregate classification (germline): Pathogenic/Likely pathogenic. Review status: criteria provided, multiple submitters, no conflicts (2 of 4 stars). 2 submissions from 2 submitters: Pathogenic (1); Likely pathogenic (1). Last evaluated 2018-09-13.

Conditions:
Leigh syndrome (NULS). Also called: Leigh Syndrome (mtDNA deletion); Leigh Disease; Subacute necrotizing encephalopathy; Necrotizing encephalopathy infantile subacute of Leigh; LEIGH SYNDROME, NUCLEAR; Leigh's necrotizing encephalopathy. Identifiers: Orphanet 506, MedGen C2931891, MONDO:0009723, OMIM 256000.

Submissions (2):

Labcorp Genetics (formerly Invitae), Labcorp
Classification: Pathogenic for Leigh syndrome. Last evaluated: 2018-09-13. Review status: criteria provided, single submitter. Criteria: Invitae Variant Classification Sherloc (09022015). Collection method: clinical testing. Allele origin: germline.
Comment: This sequence change creates a premature translational stop signal (p.Glu211Asnfs*8) in the SURF1 gene. It is expected to result in an absent or disrupted protein product. This variant is not present in population databases (ExAC no frequency). This variant has not been reported in the literature in individuals with SURF1-related disease. ClinVar contains an entry for this variant (Variation ID:¬†496203). Loss-of-function variants in SURF1 are known to be pathogenic (PMID: 10443880, 22488715). For these reasons, this variant has been classified as Pathogenic.

Women's Health and Genetics/Laboratory Corporation of America, LabCorp
Classification: Likely pathogenic for Leigh syndrome. Last evaluated: 2017-02-06. Review status: criteria provided, single submitter. Criteria: LabCorp Variant Classification Summary - May 2015. Collection method: clinical testing. Allele origin: germline.
Comment: Variant summary: The SURF1 c.631_632delGA (p.Glu211Asnfs) variant results in a premature termination codon, predicted to cause a truncated or absent SURF1 protein due to nonsense mediated decay, which are commonly known mechanisms for disease. Truncations downstream of this position have been classified as pathogenic by our laboratory (e.g. c.758_759delCA/ p.Thr253fs). One in silico tool predicts a damaging outcome for this variant. This variant is absent in 121000 control chromosomes. The variant of interest has not, to our knowledge, been reported in affected individuals via publications and/or reputable databases/clinical diagnostic laboratories; nor evaluated for functional impact by in vivo/vitro studies. Taken together, this variant is classified as likely pathogenic.

Literature cited by the submitters: PubMed 10443880 (cited by Labcorp Genetics (formerly Invitae), Labcorp); PubMed 22488715 (cited by Labcorp Genetics (formerly Invitae), Labcorp).